The following is an entry in ClinVar:

NM_017909.4(RMND1):c.504+1G>A

Gene: RMND1 (required for meiotic nuclear division 1 homolog; minus strand). Cytogenetic location: 6q25.1.
Variant type: single nucleotide variant.
Coding change: c.504+1G>A on transcript NM_017909.4 (MANE Select); the canonical splice donor site of the intron after coding-DNA position 504, G replaced by A.
Molecular consequence: splice donor variant. On other transcripts: intron variant (1).
Genome position (GRCh38, 1-based): chr6:151,445,307, C>T on the plus strand (G>A on the coding strand, the complement: RMND1 is on the minus strand). VCF-style: chr6-151445307-C-T. GRCh37 (hg19) VCF-style: chr6-151766442-C-T.
Other names: IVS2DS, G-A, +1; c.-7+6709G>A (NM_001271937.2).
Identifiers: ClinVar variation 39764 (VCV000039764.31), dbSNP rs1562800908, ClinGen allele CA366064255.

ClinVar aggregate classification (germline): Pathogenic/Likely pathogenic. Review status: criteria provided, multiple submitters, no conflicts (2 of 4 stars). 4 submissions from 4 submitters: Pathogenic (2); Likely pathogenic (1). 1 of the submissions does not count toward it. Last evaluated 2024-03-04.

Conditions:
Combined oxidative phosphorylation defect type 11. Also called: Combined oxidative phosphorylation deficiency 11; ENCEPHALONEUROMYOPATHY, INFANTILE, DUE TO MITOCHONDRIAL TRANSLATION DEFECT. Identifiers: Orphanet 324535, MedGen C5190991, MONDO:0013969, OMIM 614922.
Abnormality of the nervous system. Also called: Congenital nervous system disorder. Identifiers: MedGen C0497552, MONDO:0002320, HP:0000707.

Submissions (5):

Foundation for Research in Genetics and Endocrinology, FRIGE's Institute of Human Genetics
Classification: Pathogenic for Combined oxidative phosphorylation defect type 11. Last evaluated: 2024-03-04. Review status: criteria provided, single submitter. Criteria: ACMG Guidelines, 2015. Collection method: clinical testing. Allele origin: germline. Inheritance: Autosomal recessive inheritance. Affected: yes. Observed: 1 homozygote.
Comment: A homozygous 5’ splice site variant in intron 2 of the RMND1 gene that affects the invariant GT donor splice site downstream of exon 2 (c.504+1G>A) was detected. The observed variant has previously been reported in patients in affected with Infantile encephalo- neuromyopathy [PMID: 23022099]. The variant has not been reported in the 1000 genomes, gnomAD (v3.1), gnomdAD (v2.1) and topmed databases. The reference region is conserved across species. In summary, the variant meets our criteria to be classified as pahogenic.

Kariminejad - Najmabadi Pathology & Genetics Center
Classification: Likely pathogenic for Abnormality of the nervous system. Last evaluated: 2021-07-10. Review status: criteria provided, single submitter. Criteria: ACMG Guidelines, 2015. Collection method: clinical testing. Allele origin: germline. Affected: yes.

Revvity Omics, Revvity
Classification: Pathogenic for Combined oxidative phosphorylation defect type 11. Last evaluated: 2019-09-03. Review status: criteria provided, single submitter. Criteria: ACMG Guidelines, 2015. Collection method: clinical testing. Allele origin: germline.

OMIM
Classification: Pathogenic for COMBINED OXIDATIVE PHOSPHORYLATION DEFICIENCY 11. Last evaluated: 2012-10-05. Review status: no assertion criteria provided. Collection method: literature only. Allele origin: germline. Not counted in ClinVar's aggregate classification.

Dr. Peter K. Rogan Lab, Western University
No classification provided (evidence only). Condition: Melanoma. Review status: no classification provided. Collection method: in vitro. Allele origin: not applicable. Functional consequence: skipped exon. Not counted in ClinVar's aggregate classification.

Literature cited by the submitters: PubMed 18835491 (cited by OMIM); PubMed 23022099 (cited by OMIM).